The following is an entry in ClinVar:

NM_006939.4(SOS2):c.3744G>T (p.Trp1248Cys)

Gene: SOS2 (SOS Ras/Rho guanine nucleotide exchange factor 2; minus strand). Cytogenetic location: 14q21.3.
Variant type: single nucleotide variant.
Coding change: c.3744G>T on transcript NM_006939.4 (MANE Select); coding-DNA position 3744, G replaced by T.
Protein change: p.Trp1248Cys; replaces tryptophan 1248 with cysteine.
Molecular consequence: missense variant.
Genome position (GRCh38, 1-based): chr14:50,118,599, C>A on the plus strand (G>T on the coding strand, the complement: SOS2 is on the minus strand). VCF-style: chr14-50118599-C-A. GRCh37 (hg19) VCF-style: chr14-50585317-C-A.
Other names: short protein forms W1248C.
Identifiers: ClinVar variation 475755 (VCV000475755.45), dbSNP rs138133010, ClinGen allele CA7176717.

ClinVar aggregate classification (germline): Benign/Likely benign. Review status: criteria provided, multiple submitters, no conflicts (2 of 4 stars). 10 submissions from 10 submitters: Benign (3); Likely benign (6). 1 of the submissions does not count toward it. Last evaluated 2026-04-01.

Conditions:
Cardiovascular phenotype. Identifiers: MedGen CN230736.
SOS2-related disorder. Also called: SOS2-related condition.
Noonan syndrome and Noonan-related syndrome. Identifiers: Orphanet 98733, MedGen C5681679, MONDO:0020297.
Noonan syndrome 9 (NS9). Identifiers: Orphanet 648, MedGen C4225282, MONDO:0014691, OMIM 616559.

Allele frequency attached by ClinVar (database versions not stated): gnomAD 0.00041; ExAC 0.00062; ESP Exome Variant Server 0.00100; TOPMed 0.00039.
gnomAD v4.1: 835 of 1,613,912 alleles (0.052%); highest among the groups gnomAD compares: Non-Finnish European, 0.061%; 1 homozygote.

Submissions (10):

CeGaT Center for Human Genetics Tuebingen
Classification: Likely benign. Last evaluated: 2026-04-01. Review status: criteria provided, single submitter. Criteria: CeGaT Center For Human Genetics Tuebingen Variant Classification Criteria Version 2. Collection method: clinical testing. Allele origin: germline. Affected: yes. Observed: 5 variant alleles.
Comment: SOS2: BP4

Labcorp Genetics (formerly Invitae), Labcorp
Classification: Likely benign for Noonan syndrome 9. Last evaluated: 2026-02-04. Review status: criteria provided, single submitter. Criteria: Invitae Variant Classification Sherloc (09022015). Collection method: clinical testing. Allele origin: germline.

Laboratory of Genetics, Children's Clinical University Hospital Latvia
Classification: Likely benign. Last evaluated: 2025-02-16. Review status: criteria provided, single submitter. Criteria: ACMG Guidelines, 2015. Collection method: clinical testing. Allele origin: germline. Affected: yes.

Blueprint Genetics
Classification: Likely benign. Last evaluated: 2024-10-14. Review status: criteria provided, single submitter. Criteria: ACMG Guidelines, 2015. Collection method: clinical testing. Allele origin: germline.

Ambry Genetics
Classification: Likely benign for Cardiovascular phenotype. Last evaluated: 2024-05-02. Review status: criteria provided, single submitter. Criteria: Ambry Variant Classification Scheme 2023. Collection method: clinical testing. Allele origin: germline.

Genome Diagnostics Laboratory, The Hospital for Sick Children
Classification: Benign for Noonan syndrome and Noonan-related syndrome. Last evaluated: 2021-02-18. Review status: criteria provided, single submitter. Criteria: ACMG Guidelines, 2015. Collection method: clinical testing. Allele origin: germline.

Women's Health and Genetics/Laboratory Corporation of America, LabCorp
Classification: Benign. Last evaluated: 2019-09-01. Review status: criteria provided, single submitter. Criteria: LabCorp Variant Classification Summary - May 2015. Collection method: clinical testing. Allele origin: germline.
Comment: Variant summary: SOS2 c.3744G>T (p.Trp1248Cys) results in a non-conservative amino acid change in the encoded protein sequence. Three of five in-silico tools predict a damaging effect of the variant on protein function. The variant allele was found at a frequency of 0.00049 in 251468 control chromosomes. The observed variant frequency is approximately 195 fold of the estimated maximal expected allele frequency for a pathogenic variant in SOS2 causing Noonan Syndrome and Related Conditions phenotype (2.5e-06), strongly suggesting that the variant is benign. c.3744G>T has been reported in the literature in sequencing studies of individuals affected with Rasopathies (Cordeddu_2015). These report(s) do not provide unequivocal conclusions about association of the variant with Noonan Syndrome and Related Conditions. To our knowledge, no experimental evidence demonstrating an impact on protein function has been reported. Two clinical diagnostic laboratories have submitted clinical-significance assessments for this variant to ClinVar after 2014 without evidence for independent evaluation. All laboratories classified the variant as benign (n=1)/likely benign(n=1). Based on the evidence outlined above, the variant was classified as benign.

GeneDx
Classification: Benign. Last evaluated: 2017-04-13. Review status: criteria provided, single submitter. Criteria: GeneDx Variant Classification (06012015). Collection method: clinical testing. Allele origin: germline. Affected: yes.
Comment: This variant is considered likely benign or benign based on one or more of the following criteria: it is a conservative change, it occurs at a poorly conserved position in the protein, it is predicted to be benign by multiple in silico algorithms, and/or has population frequency not consistent with disease.

Genome-Nilou Lab
Classification: Likely benign for Noonan syndrome 9. Review status: criteria provided, single submitter. Criteria: ACMG Guidelines, 2015. Collection method: clinical testing. Allele origin: germline.

PreventionGenetics, part of Exact Sciences
Classification: Benign for SOS2-related condition. Last evaluated: 2019-05-17. Review status: no assertion criteria provided. Collection method: clinical testing. Allele origin: germline. Not counted in ClinVar's aggregate classification.
Comment: This variant is classified as benign based on ACMG/AMP sequence variant interpretation guidelines (Richards et al. 2015 PMID: 25741868, with internal and published modifications).

Literature cited by the submitters: PubMed 26173643 (cited by Women's Health and Genetics/Laboratory Corporation of America, LabCorp).